The following is an entry in ClinVar:

NM_018646.6(TRPV6):c.1025G>A (p.Arg342Gln)

Gene: TRPV6 (transient receptor potential cation channel subfamily V member 6; minus strand). Cytogenetic location: 7q34.
Variant type: single nucleotide variant.
Coding change: c.1025G>A on transcript NM_018646.6 (MANE Select); coding-DNA position 1025, G replaced by A.
Protein change: p.Arg342Gln; replaces arginine 342 with glutamine.
Molecular consequence: missense variant.
Genome position (GRCh38, 1-based): chr7:142,875,762, C>T on the plus strand (G>A on the coding strand, the complement: TRPV6 is on the minus strand). VCF-style: chr7-142875762-C-T. GRCh37 (hg19) VCF-style: chr7-142573515-C-T.
Other names: short protein forms R342Q.
Identifiers: ClinVar variation 2991586 (VCV002991586.3), dbSNP rs192217657, ClinGen allele CA4532661.

ClinVar aggregate classification (germline): Uncertain significance (1 of 4 stars; one submission).

Allele frequency attached by ClinVar (database versions not stated): gnomAD exomes 0.00001; 1000 Genomes Project 30x 0.00016; 1000 Genomes Project 0.00020; TOPMed below 0.00001; ExAC 0.00001; gnomAD 0.00001.

Submission:

Labcorp Genetics (formerly Invitae), Labcorp
Classification: Uncertain significance. Last evaluated: 2025-10-01. Review status: criteria provided, single submitter. Criteria: Invitae Variant Classification Sherloc (09022015). Collection method: clinical testing. Allele origin: germline.
Comment: This sequence change replaces arginine, which is basic and polar, with glutamine, which is neutral and polar, at codon 342 of the TRPV6 protein (p.Arg342Gln). The frequency data for this variant in the population databases is considered unreliable, as metrics indicate poor data quality at this position in the gnomAD database. This missense change has been observed in individual(s) with chronic pancreatitis (PMID: 31930989, 34538581). ClinVar contains an entry for this variant (Variation ID: 2991586). Algorithms developed to predict the effect of variants on gene product structure and function are not available or were not evaluated for this variant. Experimental studies have shown that this missense change affects TRPV6 function (PMID: 31930989). In summary, the available evidence is currently insufficient to determine the role of this variant in disease. Therefore, it has been classified as a Variant of Uncertain Significance.

Literature cited by the submitters: PubMed 31930989; PubMed 34538581.